The following is an entry in ClinVar:

ClinVar aggregate classification (germline): Conflicting classifications of pathogenicity. Review status: criteria provided, conflicting classifications (1 of 4 stars). 4 submissions from 4 submitters: Uncertain significance (3); Likely benign (1). Last evaluated 2025-07-02.

Conditions:
Cardiovascular phenotype. Identifiers: MedGen CN230736.
Dilated cardiomyopathy 1JJ (CMD1JJ). Identifiers: Orphanet 154, MedGen C3808935, MONDO:0014095, OMIM 615235.

Allele frequency attached by ClinVar (database versions not stated): ExAC 0.00005.
gnomAD v4.1: 52 of 1,613,348 alleles (0.0032%); highest among the groups gnomAD compares: Admixed American, 0.027%; no homozygotes.

Submissions (4):

Labcorp Genetics (formerly Invitae), Labcorp
Classification: Uncertain significance for Dilated cardiomyopathy 1JJ. Last evaluated: 2025-07-02. Review status: criteria provided, single submitter. Criteria: Invitae Variant Classification Sherloc (09022015). Collection method: clinical testing. Allele origin: germline.
Comment: This sequence change replaces glycine, which is neutral and non-polar, with valine, which is neutral and non-polar, at codon 1649 of the LAMA4 protein (p.Gly1649Val). This variant is present in population databases (rs41289900, gnomAD 0.03%). This missense change has been observed in individual(s) with dilated cardiomyopathy (PMID: 32880476). ClinVar contains an entry for this variant (Variation ID: 1445096). Invitae Evidence Modeling of protein sequence and biophysical properties (such as structural, functional, and spatial information, amino acid conservation, physicochemical variation, residue mobility, and thermodynamic stability) indicates that this missense variant is expected to disrupt LAMA4 protein function with a positive predictive value of 80%. In summary, the available evidence is currently insufficient to determine the role of this variant in disease. Therefore, it has been classified as a Variant of Uncertain Significance.

Ambry Genetics
Classification: Uncertain significance for Cardiovascular phenotype. Last evaluated: 2024-08-27. Review status: criteria provided, single submitter. Criteria: Ambry Variant Classification Scheme 2023. Collection method: clinical testing. Allele origin: germline.
Comment: The p.G1649V variant (also known as c.4946G>T), located in coding exon 34 of the LAMA4 gene, results from a G to T substitution at nucleotide position 4946. The glycine at codon 1649 is replaced by valine, an amino acid with dissimilar properties. This amino acid position is highly conserved in available vertebrate species. In addition, this alteration is predicted to be deleterious by in silico analysis. The evidence for this gene-disease relationship is limited; therefore, the clinical significance of this alteration is unclear.

Women's Health and Genetics/Laboratory Corporation of America, LabCorp
Classification: Likely benign. Last evaluated: 2023-02-17. Review status: criteria provided, single submitter. Criteria: LabCorp Variant Classification Summary - May 2015. Collection method: clinical testing. Allele origin: germline.
Comment: Variant summary: LAMA4 c.4967G>T (p.Gly1656Val) results in a non-conservative amino acid change in the encoded protein sequence. Five of five in-silico tools predict a damaging effect of the variant on protein function. The variant allele was found at a frequency of 7.2e-05 in 251118 control chromosomes. The observed variant frequency is approximately 3-fold of the estimated maximal expected allele frequency for a pathogenic variant in LAMA4 causing Cardiomyopathy phenotype (2.5e-05), strongly suggesting that the variant is benign. c.4967G>T has been reported in the literature in individuals affected with Cardiomyopathy (Goli_2021, Verdonschot_2020) without strong evidence of causality. These reports do not provide unequivocal conclusions about association of the variant with Cardiomyopathy. To our knowledge, no experimental evidence demonstrating an impact on protein function has been reported. Two clinical diagnostic laboratories have submitted clinical-significance assessments for this variant to ClinVar after 2014 and classified the variant as uncertain significance. Based on the evidence outlined above, the variant was classified as likely benign.

Fulgent Genetics
Classification: Uncertain significance for Dilated cardiomyopathy 1JJ. Last evaluated: 2021-09-09. Review status: criteria provided, single submitter. Criteria: ACMG Guidelines, 2015. Collection method: clinical testing. Allele origin: unknown.

Literature cited by the submitters: PubMed 32880476 (cited by Labcorp Genetics (formerly Invitae), Labcorp and Women's Health and Genetics/Laboratory Corporation of America, LabCorp); PubMed 33874732 (cited by Women's Health and Genetics/Laboratory Corporation of America, LabCorp).

NM_001105206.3(LAMA4):c.4967G>T (p.Gly1656Val)

Gene: LAMA4 (laminin subunit alpha 4; minus strand). Cytogenetic location: 6q21.
Variant type: single nucleotide variant.
Coding change: c.4967G>T on transcript NM_001105206.3 (MANE Select); coding-DNA position 4967, G replaced by T.
Protein change: p.Gly1656Val; replaces glycine 1656 with valine.
Molecular consequence: missense variant.
Genome position (GRCh38, 1-based): chr6:112,117,753, C>A on the plus strand (G>T on the coding strand, the complement: LAMA4 is on the minus strand). VCF-style: chr6-112117753-C-A. GRCh37 (hg19) VCF-style: chr6-112438956-C-A.
Other names: c.4946G>T (NM_002290.3); c.4946G>T, p.Gly1649Val (NM_001105207.3, NM_002290.5); c.4967G>T (NM_001105206.2); short protein forms G1649V, G1656V.
Identifiers: ClinVar variation 1445096 (VCV001445096.8), dbSNP rs41289900, ClinGen allele CA3964866.